The following is an entry in ClinVar:

NM_003924.4(PHOX2B):c.344G>T (p.Arg115Met)

Gene: PHOX2B (paired like homeobox 2B; minus strand). Cytogenetic location: 4p13.
Variant type: single nucleotide variant.
Coding change: c.344G>T on transcript NM_003924.4 (MANE Select); coding-DNA position 344, G replaced by T.
Protein change: p.Arg115Met; replaces arginine 115 with methionine.
Molecular consequence: missense variant.
Genome position (GRCh38, 1-based): chr4:41,747,434, C>A on the plus strand (G>T on the coding strand, the complement: PHOX2B is on the minus strand). VCF-style: chr4-41747434-C-A. GRCh37 (hg19) VCF-style: chr4-41749451-C-A.
Other names: short protein forms R115M.
Identifiers: ClinVar variation 4887916 (VCV004887916.1).

ClinVar aggregate classification (germline): Uncertain significance (1 of 4 stars; one submission).

Submission:

GeneDx
Classification: Uncertain significance. Last evaluated: 2026-02-07. Review status: criteria provided, single submitter. Criteria: GeneDx Variant Classification Process June 2021. Collection method: clinical testing. Allele origin: germline.
Comment: Not observed at significant frequency in large population cohorts (gnomAD); In silico analysis supports that this missense variant has a deleterious effect on protein structure/function; Has not been previously published as pathogenic or benign to our knowledge